The following is an entry in ClinVar:

NM_007294.4(BRCA1):c.4015G>T (p.Glu1339Ter)

Genes: BRCA1 (BRCA1 DNA repair associated; minus strand), LOC126862571 (BRD4-independent group 4 enhancer GRCh37_chr17:41243136-41244335; plus strand). Cytogenetic location: 17q21.31.
Variant type: single nucleotide variant.
Coding change: c.4015G>T on transcript NM_007294.4 (MANE Select); coding-DNA position 4015, G replaced by T.
Protein change: p.Glu1339Ter; replaces glutamic acid 1339 with a stop codon.
Molecular consequence: nonsense. On other transcripts: intron variant (135).
Genome position (GRCh38, 1-based): chr17:43,091,516, C>A on the plus strand (G>T on the coding strand, the complement: BRCA1 is on the minus strand). VCF-style: chr17-43091516-C-A. GRCh37 (hg19) VCF-style: chr17-41243533-C-A.
Other names: 4134G>T; c.3871G>T, p.Glu1291Ter (NM_001407744.1, NM_001407745.1, NM_001407746.1 and 20 more transcripts); c.3874G>T, p.Glu1292Ter (NM_001407750.1, NM_001407751.1, NM_001407752.1 and 29 more transcripts); c.3802G>T, p.Glu1268Ter (NM_001407853.1, NM_001407894.1, NM_001407895.1 and 9 more transcripts); c.4015G>T, p.Glu1339Ter (NM_001407854.1, NM_001407858.1, NM_001407859.1 and 30 more transcripts); c.4012G>T, p.Glu1338Ter (NM_001407860.1, NM_001407861.1, NM_001407587.1 and 22 more transcripts); c.3814G>T, p.Glu1272Ter (NM_001407862.1); c.3892G>T, p.Glu1298Ter (NM_001407863.1, NM_001407919.1, NM_001407937.1 and 19 more transcripts); and 42 more; short protein forms E1339*, E1292*, E1043*, E1211*, E1251*, E1268*, E1271*, E1171*.
Identifiers: ClinVar variation 37559 (VCV000037559.22), dbSNP rs80357021, ClinGen allele CA002568.

ClinVar aggregate classification (germline): Pathogenic. Review status: reviewed by expert panel (3 of 4 stars). 10 submissions from 10 submitters: Pathogenic (1). 9 of the submissions do not count toward it. Last evaluated 2016-09-08.

Conditions:
Hereditary cancer-predisposing syndrome. Also called: Tumor predisposition; Neoplastic Syndromes, Hereditary; Hereditary Cancer Syndrome; Hereditary neoplastic syndrome. Identifiers: Orphanet 140162, MedGen C0027672, MeSH D009386, MONDO:0015356.
Hereditary breast ovarian cancer syndrome. Also called: Hereditary breast and ovarian cancer syndrome (HBOC); Hereditary breast and ovarian cancer syndrome; Hereditary breast and ovarian cancer; Hereditary breast and/or ovarian cancer syndrome; Breast and ovarian cancer; BRCA1- and BRCA2-Associated Hereditary Breast and Ovarian Cancer. Identifiers: Orphanet 145, MedGen C0677776, MeSH D061325, MONDO:0003582. Disease mechanism: loss of function.
Breast-ovarian cancer, familial, susceptibility to, 1 (BROVCA1). Also called: OVARIAN CANCER, SUSCEPTIBILITY TO; BRCA1 Hereditary Breast and Ovarian Cancer. Identifiers: Orphanet 145, MedGen C2676676, MONDO:0011450, OMIM 604370. Disease mechanism: loss of function.

Allele frequency attached by ClinVar (database versions not stated): gnomAD exomes below 0.00001.
gnomAD v4.1: 1 of 1,613,866 alleles (0.000062%); highest among the groups gnomAD compares: Admixed American, 0.0017%; no homozygotes.

Submissions (10):

Evidence-based Network for the Interpretation of Germline Mutant Alleles (ENIGMA)
Classification: Pathogenic for Breast-ovarian cancer, familial, susceptibility to, 1. Last evaluated: 2016-09-08. Review status: reviewed by expert panel. Criteria: ENIGMA BRCA1/2 Classification Criteria (2015). Collection method: curation. Allele origin: germline.
Comment: Variant allele predicted to encode a truncated non-functional protein.

Labcorp Genetics (formerly Invitae), Labcorp
Classification: Pathogenic for Hereditary breast ovarian cancer syndrome. Last evaluated: 2026-01-27. Review status: criteria provided, single submitter. Criteria: Invitae Variant Classification Sherloc (09022015). Collection method: clinical testing. Allele origin: germline. Not counted in ClinVar's aggregate classification.
Comment: This sequence change creates a premature translational stop signal (p.Glu1339*) in the BRCA1 gene. It is expected to result in an absent or disrupted protein product. Loss-of-function variants in BRCA1 are known to be pathogenic (PMID: 20104584). This variant is present in population databases (rs80357021, gnomAD 0.003%). This premature translational stop signal has been observed in individual(s) with breast and/or ovarian cancer (PMID: 12879478). ClinVar contains an entry for this variant (Variation ID: 37559). RNA analysis performed to evaluate the impact of this premature translational stop signal on mRNA splicing indicates it does not significantly alter splicing (internal data). For these reasons, this variant has been classified as Pathogenic.

Ambry Genetics
Classification: Pathogenic for Hereditary cancer-predisposing syndrome. Last evaluated: 2025-07-08. Review status: criteria provided, single submitter. Criteria: Ambry Variant Classification Scheme 2023. Collection method: clinical testing. Allele origin: germline. Not counted in ClinVar's aggregate classification.
Comment: The p.E1339* pathogenic mutation (also known as c.4015G>T), located in coding exon 9 of the BRCA1 gene, results from a G to T substitution at nucleotide position 4015. This changes the amino acid from a glutamic acid to a stop codon within coding exon 9. This alteration is expected to result in loss of function by premature protein truncation or nonsense-mediated mRNA decay. As such, this alteration is interpreted as a disease-causing mutation.

GeneDx
Classification: Pathogenic. Last evaluated: 2024-06-27. Review status: criteria provided, single submitter. Criteria: GeneDx Variant Classification Process June 2021. Collection method: clinical testing. Allele origin: germline. Affected: yes. Not counted in ClinVar's aggregate classification.
Comment: Nonsense variant predicted to result in protein truncation or nonsense mediated decay in a gene for which loss of function is a known mechanism of disease; Observed in individuals with a personal or family history consistent with pathogenic variants in this gene (PMID: 12879478); Not observed at significant frequency in large population cohorts (gnomAD); Truncating variants in this gene are considered pathogenic by a well-established clinical consortium and/or database; Also known as 4134G>T; This variant is associated with the following publications: (PMID: 16267036, 28152038, 30720243, 12879478, 29922827)

Color Diagnostics, LLC DBA Color Health
Classification: Pathogenic for Hereditary cancer-predisposing syndrome. Last evaluated: 2023-03-06. Review status: criteria provided, single submitter. Criteria: ACMG Guidelines, 2015. Collection method: clinical testing. Allele origin: germline. Not counted in ClinVar's aggregate classification.
Comment: This variant changes 1 nucleotide in exon 10 of the BRCA1 gene, creating a premature translation stop signal. This variant is expected to result in an absent or non-functional protein product. This variant has been reported in an individual affected with breast and/or ovarian cancer (PMID: 12879478). This variant has been identified in 1/251154 chromosomes in the general population by the Genome Aggregation Database (gnomAD). Loss of BRCA1 function is a known mechanism of disease. Based on the available evidence, this variant is classified as Pathogenic.

Baylor Genetics
Classification: Pathogenic for Breast-ovarian cancer, familial, susceptibility to, 1. Last evaluated: 2021-11-19. Review status: criteria provided, single submitter. Criteria: ACMG Guidelines, 2015. Collection method: clinical testing. Allele origin: unknown. Not counted in ClinVar's aggregate classification.

Quest Diagnostics Nichols Institute San Juan Capistrano
Classification: Pathogenic. Last evaluated: 2021-09-11. Review status: criteria provided, single submitter. Criteria: Quest Diagnostics criteria. Collection method: clinical testing. Allele origin: unknown. Not counted in ClinVar's aggregate classification.
Comment: This nonsense variant causes the premature termination of BRCA1 protein synthesis. This variant has been reported in individuals with hereditary breast and ovarian cancer in the published literature (PMID: 21523855 (2011), 12879478 (2003)). The frequency of this variant in the general population, 0.000029 (1/34560 chromosomes (Genome Aggregation Database)), is consistent with pathogenicity. Based on the available information, this variant is classified as pathogenic.

Women's Health and Genetics/Laboratory Corporation of America, LabCorp
Classification: Pathogenic for Hereditary breast ovarian cancer syndrome. Last evaluated: 2017-08-22. Review status: criteria provided, single submitter. Criteria: LabCorp Variant Classification Summary - May 2015. Collection method: clinical testing. Allele origin: germline. Not counted in ClinVar's aggregate classification.
Comment: Variant summary: The BRCA1 c.4015G>T (p.Glu1339X) variant results in a premature termination codon, predicted to cause a truncated or absent BRCA1 protein due to nonsense mediated decay, which are commonly known mechanisms for disease. Truncations downstream of this position have been classified as pathogenic by our laboratory (e.g. c.4035delA (p.Glu1346fsX20), c.4041_4042delAG (p.Gly1348fsX7), and c.4065_4068delTCAA (p.Asn1355fsX10)). This variant is absent in 121374 control chromosomes, suggesting that it is not a common, benign variant. The variant of interest has been reported in affected individuals via publications (Judkins_2005 and Mullineaux_2003). In addition, multiple clinical diagnostic laboratories/reputable databases classified this variant as pathogenic. Taken together, this variant is classified as pathogenic.

Sharing Clinical Reports Project (SCRP)
Classification: Pathogenic for Breast-ovarian cancer, familial 1. Last evaluated: 2008-11-17. Review status: no assertion criteria provided. Collection method: clinical testing. Allele origin: germline. Not counted in ClinVar's aggregate classification.

Breast Cancer Information Core (BIC) (BRCA1)
Classification: Pathogenic for Breast-ovarian cancer, familial 1. Last evaluated: 2002-05-29. Review status: no assertion criteria provided. Collection method: clinical testing. Allele origin: germline. Affected: yes. Observed: 3 variant alleles. Not counted in ClinVar's aggregate classification.

Literature cited by the submitters: PubMed 20104584 (cited by Labcorp Genetics (formerly Invitae), Labcorp); PubMed 12879478 (cited by 4 submitters); PubMed 28152038 (cited by Quest Diagnostics Nichols Institute San Juan Capistrano); PubMed 30720243 (cited by Quest Diagnostics Nichols Institute San Juan Capistrano); PubMed 21523855 (cited by Quest Diagnostics Nichols Institute San Juan Capistrano); PubMed 16267036 (cited by Quest Diagnostics Nichols Institute San Juan Capistrano and Women's Health and Genetics/Laboratory Corporation of America, LabCorp).